The following is an entry in ClinVar:

ClinVar aggregate classification (germline): Pathogenic (1 of 4 stars; one submission).

Conditions:
Dyskeratosis congenita, autosomal recessive 5 (DKCB5). Identifiers: MedGen C3554656, MONDO:0014076, OMIM 615190.
Pulmonary fibrosis and/or bone marrow failure, Telomere-related, 3. Also called: PULMONARY FIBROSIS AND/OR BONE MARROW FAILURE SYNDROME, TELOMERE-RELATED, 3. Identifiers: Orphanet 2032, MedGen C4225346, MONDO:0014613, OMIM 616373.

Submission:

Labcorp Genetics (formerly Invitae), Labcorp
Classification: Pathogenic for Dyskeratosis congenita, autosomal recessive 5; Pulmonary fibrosis and/or bone marrow failure, Telomere-related, 3. Last evaluated: 2022-06-13. Review status: criteria provided, single submitter. Criteria: Invitae Variant Classification Sherloc (09022015). Collection method: clinical testing. Allele origin: germline.
Comment: This sequence change creates a premature translational stop signal (p.Glu535*) in the RTEL1 gene. It is expected to result in an absent or disrupted protein product. Loss-of-function variants in RTEL1 are known to be pathogenic (PMID: 23453664, 23959892, 25607374). For these reasons, this variant has been classified as Pathogenic. Algorithms developed to predict the effect of sequence changes on RNA splicing suggest that this variant may disrupt the consensus splice site. ClinVar contains an entry for this variant (Variation ID: 1069534). This variant has not been reported in the literature in individuals affected with RTEL1-related conditions. This variant is not present in population databases (gnomAD no frequency).

Literature cited by the submitters: PubMed 23453664; PubMed 23959892; PubMed 25607374.

NM_001283009.2(RTEL1):c.1603G>T (p.Glu535Ter)

Genes: RTEL1 (regulator of telomere elongation helicase 1; plus strand), RTEL1-TNFRSF6B (RTEL1-TNFRSF6B readthrough (NMD candidate); plus strand). Cytogenetic location: 20q13.33.
Variant type: single nucleotide variant.
Coding change: c.1603G>T on transcript NM_001283009.2 (MANE Select); coding-DNA position 1603, G replaced by T.
Protein change: p.Glu535Ter; replaces glutamic acid 535 with a stop codon.
Molecular consequence: nonsense. On other transcripts: non-coding transcript variant (1).
Genome position (GRCh38, 1-based): chr20:63,688,146, G>T. VCF-style: chr20-63688146-G-T. GRCh37 (hg19) VCF-style: chr20-62319499-G-T.
Other names: c.934G>T, p.Glu312Ter (NM_001283010.1); c.1603G>T, p.Glu535Ter (NM_016434.4); c.1675G>T, p.Glu559Ter (NM_032957.5); short protein forms E312*, E535*, E559*.
Identifiers: ClinVar variation 1069534 (VCV001069534.7), dbSNP rs1367858373, ClinGen allele CA409676980.